The following is an entry in ClinVar:

NM_001879.6(MASP1):c.1573C>T (p.Arg525Trp)

Gene: MASP1 (MBL associated serine protease 1; minus strand). Cytogenetic location: 3q27.3.
Variant type: single nucleotide variant.
Coding change: c.1573C>T on transcript NM_001879.6 (MANE Plus Clinical); coding-DNA position 1573, C replaced by T.
Protein change: p.Arg525Trp; replaces arginine 525 with tryptophan.
Molecular consequence: missense variant.
Genome position (GRCh38, 1-based): chr3:187,225,492, G>A on the plus strand (C>T on the coding strand, the complement: MASP1 is on the minus strand). VCF-style: chr3-187225492-G-A. GRCh37 (hg19) VCF-style: chr3-186943280-G-A.
Other names: short protein forms R525W.
Identifiers: ClinVar variation 3057458 (VCV003057458.2), dbSNP rs28945073, ClinGen allele CA2748856.

ClinVar aggregate classification (germline): Likely benign (0 of 4 stars; one submission).

Conditions:
MASP1-related disorder. Also called: MASP1-related condition.

Allele frequency attached by ClinVar (database versions not stated): TOPMed 0.00032; 1000 Genomes Project 30x 0.00125; ESP Exome Variant Server 0.00031; 1000 Genomes Project 0.00120.
gnomAD v4.1: 597 of 1,614,080 alleles (0.037%); highest among the groups gnomAD compares: South Asian, 0.27%; 8 homozygotes.

Submission:

PreventionGenetics, part of Exact Sciences
Classification: Likely benign for MASP1-related condition. Last evaluated: 2022-07-06. Review status: no assertion criteria provided. Collection method: clinical testing. Allele origin: germline.
Comment: This variant is classified as likely benign based on ACMG/AMP sequence variant interpretation guidelines (Richards et al. 2015 PMID: 25741868, with internal and published modifications).